The following is an entry in ClinVar:

NM_000574.5(CD55):c.286+2T>G

Gene: CD55 (CD55 molecule (Cromer blood group); plus strand). Cytogenetic location: 1q32.2.
Variant type: single nucleotide variant.
Coding change: c.286+2T>G on transcript NM_000574.5 (MANE Select); the canonical splice donor site of the intron after coding-DNA position 286, T replaced by G.
Molecular consequence: splice donor variant.
Genome position (GRCh38, 1-based): chr1:207,322,569, T>G. VCF-style: chr1-207322569-T-G. GRCh37 (hg19) VCF-style: chr1-207495914-T-G.
Other names: c.286+2T>G (NM_001114752.3, NM_001300903.2, NM_001300904.2 and 1 more transcripts).
Identifiers: ClinVar variation 1066401 (VCV001066401.8), dbSNP rs752360687, ClinGen allele CA1367945.

ClinVar aggregate classification (germline): Likely pathogenic. Review status: criteria provided, multiple submitters, no conflicts (2 of 4 stars). 2 submissions from 2 submitters: Likely pathogenic (2). Last evaluated 2025-09-10.

Conditions:
Cromer blood group system (CROM). Also called: CROMER BLOOD GROUP SYSTEM, Inab PHENOTYPE. Identifiers: MedGen C1292305, OMIM 613793.
Complement hyperactivation-angiopathic thrombosis-protein-losing enteropathy syndrome. Also called: COMPLEMENT HYPERACTIVATION, ANGIOPATHIC THROMBOSIS, AND PROTEIN-LOSING ENTEROPATHY. Identifiers: Orphanet 566175, MedGen C4538570, MONDO:0009174, OMIM 226300.

Allele frequency attached by ClinVar (database versions not stated): gnomAD exomes below 0.00001; ExAC 0.00001; gnomAD 0.00002.
gnomAD v4.1: 8 of 1,594,340 alleles (0.0005%); highest among the groups gnomAD compares: Non-Finnish European, 0.00068%; no homozygotes.

Submissions (2):

Labcorp Genetics (formerly Invitae), Labcorp
Classification: Likely pathogenic. Last evaluated: 2025-09-10. Review status: criteria provided, single submitter. Criteria: Invitae Variant Classification Sherloc (09022015). Collection method: clinical testing. Allele origin: germline.
Comment: This sequence change affects a donor splice site in intron 2 of the CD55 gene. It is expected to disrupt RNA splicing. Variants that disrupt the donor or acceptor splice site typically lead to a loss of protein function (PMID: 16199547), and loss-of-function variants in CD55 are known to be pathogenic (PMID: 28657829, 28657861). This variant is present in population databases (rs752360687, gnomAD 0.002%). This variant has not been reported in the literature in individuals affected with CD55-related conditions. ClinVar contains an entry for this variant (Variation ID: 1066401). Algorithms developed to predict the effect of sequence changes on RNA splicing suggest that this variant may disrupt the consensus splice site. In summary, the currently available evidence indicates that the variant is pathogenic, but additional data are needed to prove that conclusively. Therefore, this variant has been classified as Likely Pathogenic.

Fulgent Genetics
Classification: Likely pathogenic for Complement hyperactivation-angiopathic thrombosis-protein-losing enteropathy syndrome; Cromer blood group system. Last evaluated: 2022-04-28. Review status: criteria provided, single submitter. Criteria: ACMG Guidelines, 2015. Collection method: clinical testing. Allele origin: unknown.

Literature cited by the submitters: PubMed 16199547 (cited by Labcorp Genetics (formerly Invitae), Labcorp); PubMed 28657829 (cited by Labcorp Genetics (formerly Invitae), Labcorp); PubMed 28657861 (cited by Labcorp Genetics (formerly Invitae), Labcorp).